The following is an entry in ClinVar:

NM_007194.4(CHEK2):c.592+3A>T

Gene: CHEK2 (checkpoint kinase 2; minus strand). Cytogenetic location: 22q12.1.
Variant type: single nucleotide variant.
Coding change: c.592+3A>T on transcript NM_007194.4 (MANE Select); 3 bases into the intron after coding-DNA position 592, A replaced by T.
Molecular consequence: intron variant.
Genome position (GRCh38, 1-based): chr22:28,724,974, T>A on the plus strand (A>T on the coding strand, the complement: CHEK2 is on the minus strand). VCF-style: chr22-28724974-T-A. GRCh37 (hg19) VCF-style: chr22-29120962-T-A.
Other names: c.592+3A>T (NM_145862.2, NM_145862.3); c.-72+3A>T (NM_001437942.1); c.445-51A>T (NM_001349956.3); c.-186+3A>T (NM_001257387.3); c.685+3A>T (NM_001438295.1, NM_001438293.1); c.721+3A>T (NM_001438294.1, NM_001005735.3).
Identifiers: ClinVar variation 142956 (VCV000142956.112), dbSNP rs587782849, ClinGen allele CA294532.
Genomic context (GRCh38, chr22:28,724,974, plus strand): 5'-AATTTTCCTCCTATGAGAGAGTGGAAAAAAAAAATTCCAGTAACCATAAGATAATAATAT[T>A]ACCTTTATTTCTGCTTAGTGACAGTGCAATTTCAGAATTGTTATTCAAAGGACGGCGTTT-3'

ClinVar aggregate classification (germline): Pathogenic/Likely pathogenic. Review status: criteria provided, multiple submitters, no conflicts (2 of 4 stars). 36 submissions from 35 submitters: Pathogenic (7); Likely pathogenic (23). 6 of the submissions do not count toward it. Last evaluated 2026-10-15.

Conditions:
CHEK2-related disorder.
CHEK2-related cancer predisposition (TPDS4). Also called: TUMOR PREDISPOSITION SYNDROME 4; CANCER PREDISPOSITION SYNDROME, CHEK2-RELATED; CHEK2-related cancer susceptibility. Identifiers: Orphanet 524, MedGen C5882668, MONDO:0700271, OMIM 609265.
Bone osteosarcoma. Also called: Osteosarcoma, somatic. Identifiers: Orphanet 668, MedGen C0585442, MONDO:0002629, OMIM 259500.
Familial prostate cancer. Also called: Hereditary Prostate Cancer. Identifiers: MedGen C2931456, MONDO:0700275, OMIM 176807.
Familial cancer of breast. Also called: BREAST CANCER, FAMILIAL; hereditary breast carcinoma; Hereditary breast cancer. Identifiers: Orphanet 227535, MedGen C0346153, MONDO:0016419, OMIM 114480. Disease mechanism: loss of function.
Hereditary cancer-predisposing syndrome. Also called: Neoplastic Syndromes, Hereditary; Hereditary neoplastic syndrome; Hereditary Cancer Syndrome; Tumor predisposition. Identifiers: Orphanet 140162, MedGen C0027672, MeSH D009386, MONDO:0015356.
Hereditary breast ovarian cancer syndrome. Also called: Breast and ovarian cancer; Hereditary breast and/or ovarian cancer syndrome; Hereditary breast and ovarian cancer syndrome; Hereditary breast and ovarian cancer syndrome (HBOC); Hereditary breast and ovarian cancer; BRCA1- and BRCA2-Associated Hereditary Breast and Ovarian Cancer. Identifiers: Orphanet 145, MedGen C0677776, MeSH D061325, MONDO:0003582. Disease mechanism: loss of function.
Breast-ovarian cancer, familial, susceptibility to, 1 (BROVCA1). Also called: OVARIAN CANCER, SUSCEPTIBILITY TO; BRCA1 Hereditary Breast and Ovarian Cancer. Identifiers: Orphanet 145, MedGen C2676676, MONDO:0011450, OMIM 604370. Disease mechanism: loss of function.
Prostate cancer. Also called: Malignant tumor of prostate. Identifiers: Orphanet 1331, MedGen C0376358, MONDO:0008315, HP:0012125.
Breast carcinoma. Also called: Carcinoma of breast. Identifiers: MedGen C0678222, MONDO:0004989, HP:0003002.
Malignant tumor of breast. Also called: Cancer breast; Malignant breast neoplasm. Identifiers: MedGen C0006142, MONDO:0007254. Disease mechanism: loss of function.

Allele frequency attached by ClinVar (database versions not stated): gnomAD 0.00001; gnomAD exomes 0.00001 and 0.00003; TOPMed 0.00002; ExAC 0.00003.
gnomAD v4.1: 24 of 1,613,866 alleles (0.0015%); highest among the groups gnomAD compares: Middle Eastern, 0.033%; no homozygotes.

Submissions 1 to 9 of 36:

Department of Molecular Genetics, Istishari Arab Hospital
Classification: Pathogenic for CHEK2-related cancer predisposition. Last evaluated: 2026-10-15. Review status: criteria provided, single submitter. Criteria: ACMG Guidelines, 2015. Collection method: clinical testing. Allele origin: germline. Inheritance: Autosomal dominant inheritance. Affected: yes.
Comment: The CHEK2 variant c.592+3A>T is a nucleotide change adjacent to the splice site of exon 3 of the CHEK2 gene. Splice site prediction tools predict that this variant may have a significant impact on RNA splicing. RNA studies with heterozygous carriers have shown that this variant causes aberrant splicing and causes out-of-frame skipping of exon 4 (PMID: 27616075, 31843900, 33925588, 37725924). This variant was previously reported in individuals affected with breast cancer, colorectal cancer, and/or renal cell carcinoma (PMID: 27978560, 29522266, 33980423, 32658311, 33925588). It is classified as pathogenic based on the implementation of the ACMG/AMP/ClinGen SVI guidelines.

CeGaT Center for Human Genetics Tuebingen
Classification: Likely pathogenic. Last evaluated: 2026-09-01. Review status: criteria provided, single submitter. Criteria: CeGaT Center For Human Genetics Tuebingen Variant Classification Criteria Version 2. Collection method: clinical testing. Allele origin: germline. Affected: yes. Observed: 5 variant alleles.
Comment: CHEK2: PVS1:Strong, PM2, PS4:Moderate

Institute of Human Genetics, University of Leipzig Medical Center
Classification: Likely pathogenic for CHEK2-related cancer predisposition. Last evaluated: 2026-07-06. Review status: criteria provided, single submitter. Criteria: ACMG Guidelines, 2015. Collection method: clinical testing. Allele origin: unknown. Inheritance: Autosomal dominant inheritance. Affected: yes.
Comment: Criteria applied: PVS1,PM5_SUP

Labcorp Genetics (formerly Invitae), Labcorp
Classification: Likely pathogenic for Familial cancer of breast. Last evaluated: 2026-02-03. Review status: criteria provided, single submitter. Criteria: Invitae Variant Classification Sherloc (09022015). Collection method: clinical testing. Allele origin: germline.
Comment: This sequence change falls in intron 4 of the CHEK2 gene. It does not directly change the encoded amino acid sequence of the CHEK2 protein. RNA analysis indicates that this variant induces altered splicing and may result in an absent or altered protein product. This variant is present in population databases (rs587782849, gnomAD 0.005%). This variant has been observed in individual(s) with breast cancer and colorectal cancer (PMID: 27616075, 27978560, 29522266, 32658311, 33919281, 33980423, 35534704). ClinVar contains an entry for this variant (Variation ID: 142956). Variants that disrupt the consensus splice site are a relatively common cause of aberrant splicing (PMID: 17576681, 9536098). Studies have shown that this variant results in skipping of exon 4 and skipping of exons 4 and 5, and produces a non-functional protein and/or introduces a premature termination codon (PMID: 27616075, 31843900, 33925588; internal data). In summary, the currently available evidence indicates that the variant is pathogenic, but additional data are needed to prove that conclusively. Therefore, this variant has been classified as Likely Pathogenic.

Color Diagnostics, LLC DBA Color Health
Classification: Pathogenic for Hereditary cancer-predisposing syndrome. Last evaluated: 2025-12-15. Review status: criteria provided, single submitter. Criteria: ACMG Guidelines, 2015. Collection method: clinical testing. Allele origin: germline.
Comment: This variant causes an A>T nucleotide substitution at the +3 position of intron 4 of the CHEK2 gene. Splice site prediction tools predict that this variant may have a significant impact on RNA splicing. RNA studies with heterozygous carriers have shown that this variant causes aberrant splicing and causes out-of-frame skipping of exon 4, or exons 4 and 5 (PMID: 27616075, 31843900, 33925588, 37725924). The observed exon skipping is expected to result in nonsense-mediated decay of the mutant transcripts. An external laboratory has also reported observation of abnormal splicing in multiple carriers based on their internal RNA studies (ClinVar SCV000187541.6). This variant has been reported in over twenty individuals affected with breast cancer (PMID: 27616075, 28486781, 29522266, 31300551, 32658311, 33919281, 33925588, 33980423, 35534704, 38313678), colorectal cancer (PMID: 27978560), and prostate cancer (PMID: 35350808). A haplotype analysis has shown a founder effect of this variant for individuals of Greek descent (PMID: 33925588). This variant has also been identified in 8/251318 chromosomes in the general population by the Genome Aggregation Database (gnomAD). Loss of CHEK2 function is a known mechanism of disease. Based on the available evidence, this variant is classified as Pathogenic.

Praxis Für Humangenetik, Biosciencia MVZ Labor Saar
Classification: Likely pathogenic for Breast-ovarian cancer, familial, susceptibility to, 1. Last evaluated: 2025-11-11. Review status: criteria provided, single submitter. Criteria: ACMG Guidelines, 2015. Collection method: clinical testing. Allele origin: germline. Affected: no.
Comment: PM2, PP3,PS3

GeneDx
Classification: Likely pathogenic. Last evaluated: 2025-10-02. Review status: criteria provided, single submitter. Criteria: GeneDx Variant Classification Process June 2021. Collection method: clinical testing. Allele origin: germline. Affected: yes.
Comment: Non-canonical splice site variant demonstrated to result in aberrant splicing leading to a null allele in a gene for which loss of function is a known mechanism of disease (PMID: 27616075, 31843900, 33925588, 37725924); Observed in individuals with CHEK2-related cancers and suggested to be a Greek founder variant (PMID: 38118367, 27616075, 27978560, 29522266, 32658311, 33925588, 35418818, 35264596, 35350808, 35402282, 33980423, 35534704, 38630906, 38313678); In silico analysis supports a deleterious effect on splicing; Not observed at significant frequency in large population cohorts (gnomAD); Also known as c.721+3A>T; This variant is associated with the following publications: (PMID: 27616075, 27978560, 29522266, 32658311, 31843900, 31300551, 34426522, 33925588, 35220195, 35264596, 35418818, 35350808, 37725924, 33919281, 33980423, 38313678, 38118367, 35534704, 35402282, 38630906, 38201513, 39594831)

Quest Diagnostics Nichols Institute San Juan Capistrano
Classification: Likely pathogenic. Last evaluated: 2025-09-18. Review status: criteria provided, single submitter. Criteria: Quest Diagnostics criteria. Collection method: clinical testing. Allele origin: unknown.
Comment: The CHEK2 c.592+3A>T variant occurs adjacent to a canonical splice site and has been shown in experimental studies to cause aberrant splicing (PMIDs: 27616075 (2016), 31843900 (2019), 33925588 (2021), 37725924 (2024)). This variant has been reported in individuals with breast cancer (PMIDs: 27616075 (2016), 29522266 (2018), 33925588 (2021), 33919281 (2021), 31300551 (2020), 33980423 (2021), 35264596 (2022), 38313678 (2024)), colorectal cancer (PMID: 27978560 (2016), 35418818 (2022)), and prostate cancer (PMID: 35350808 (2022)). The frequency of this variant in the general population (Genome Aggregation Database) is consistent with pathogenicity. Based on the available information, this variant is classified as likely pathogenic.

Clinical Genetics Laboratory, Skane University Hospital Lund
Classification: Likely pathogenic for CHEK2-related cancer predisposition. Last evaluated: 2025-09-12. Review status: criteria provided, single submitter. Criteria: ACMG Guidelines, 2015. Collection method: clinical testing. Allele origin: germline. Affected: yes.
Comment: PVS1, PS4